The following is an entry in ClinVar:

ClinVar aggregate classification (germline): Uncertain significance (1 of 4 stars; one submission).

Allele frequency attached by ClinVar (database versions not stated): gnomAD exomes below 0.00001; gnomAD 0.00002; TOPMed 0.00001.
gnomAD v4.1: 6 of 1,283,688 alleles (0.00047%); highest among the groups gnomAD compares: Non-Finnish European, 0.00051%; no homozygotes.

Submission:

Labcorp Genetics (formerly Invitae), Labcorp
Classification: Uncertain significance. Last evaluated: 2022-04-25. Review status: criteria provided, single submitter. Criteria: Invitae Variant Classification Sherloc (09022015). Collection method: clinical testing. Allele origin: germline.
Comment: Algorithms developed to predict the effect of missense changes on protein structure and function are either unavailable or do not agree on the potential impact of this missense change (SIFT: "Tolerated"; PolyPhen-2: "Possibly Damaging"; Align-GVGD: "Class C0"). This sequence change replaces leucine, which is neutral and non-polar, with glutamine, which is neutral and polar, at codon 10 of the XYLT2 protein (p.Leu10Gln). This variant is present in population databases (no rsID available, gnomAD 0.005%). This variant has not been reported in the literature in individuals affected with XYLT2-related conditions. Algorithms developed to predict the effect of sequence changes on RNA splicing suggest that this variant may create or strengthen a splice site. In summary, the available evidence is currently insufficient to determine the role of this variant in disease. Therefore, it has been classified as a Variant of Uncertain Significance.

NM_022167.4(XYLT2):c.29T>A (p.Leu10Gln)

Gene: XYLT2 (xylosyltransferase 2; plus strand). Cytogenetic location: 17q21.33.
Variant type: single nucleotide variant.
Coding change: c.29T>A on transcript NM_022167.4 (MANE Select); coding-DNA position 29, T replaced by A.
Protein change: p.Leu10Gln; replaces leucine 10 with glutamine.
Molecular consequence: missense variant.
Genome position (GRCh38, 1-based): chr17:50,346,169, T>A. VCF-style: chr17-50346169-T-A. GRCh37 (hg19) VCF-style: chr17-48423530-T-A.
Other names: short protein forms L10Q.
Identifiers: ClinVar variation 1991761 (VCV001991761.2), dbSNP rs1336159526, ClinGen allele CA400189781.